The following is an entry in ClinVar:

NM_024675.4(PALB2):c.1547G>T (p.Arg516Ile)

Gene: PALB2 (partner and localizer of BRCA2; minus strand). Cytogenetic location: 16p12.2.
Variant type: single nucleotide variant.
Coding change: c.1547G>T on transcript NM_024675.4 (MANE Select); coding-DNA position 1547, G replaced by T.
Protein change: p.Arg516Ile; replaces arginine 516 with isoleucine.
Molecular consequence: missense variant.
Genome position (GRCh38, 1-based): chr16:23,634,999, C>A on the plus strand (G>T on the coding strand, the complement: PALB2 is on the minus strand). VCF-style: chr16-23634999-C-A. GRCh37 (hg19) VCF-style: chr16-23646320-C-A.
Other names: c.1487G>T, p.Arg496Ile (NM_001407296.1); c.1547G>T, p.Arg516Ile (NM_001407297.1, NM_001407298.1, NM_001407299.1 and 3 more transcripts); c.662G>T, p.Arg221Ile (NM_001407304.1, NM_001407305.1, NM_001407306.1 and 5 more transcripts); short protein forms R516I, R221I, R496I.
Identifiers: ClinVar variation 2012057 (VCV002012057.5), dbSNP rs2506473872, ClinGen allele CA395130851.
Genomic context (GRCh38, chr16:23,634,999, plus strand): 5'-AGGCTAGAAGTTGGCAAAAGTGGTTCACAATGATCTGATGCTGGGGTGCAGGCTGATTTT[C>A]TTTTTCCTGTGTATCTTCTACCAGGTGCTTGGGCAACTGCCTTCCTAGACAAGTCATTAT-3'
Protein context (NP_078951.2, residues 506-526): QAPGRRYTGK[Arg516Ile]KSACTPASDH

ClinVar aggregate classification (germline): Uncertain significance. Review status: criteria provided, multiple submitters, no conflicts (2 of 4 stars). 2 submissions from 2 submitters: Uncertain significance (2). Last evaluated 2022-06-29.

Conditions:
Familial cancer of breast. Also called: hereditary breast carcinoma; BREAST CANCER, FAMILIAL; Hereditary breast cancer. Identifiers: Orphanet 227535, MedGen C0346153, MONDO:0016419, OMIM 114480. Disease mechanism: loss of function.
Hereditary cancer-predisposing syndrome. Also called: Tumor predisposition; Neoplastic Syndromes, Hereditary; Hereditary Cancer Syndrome; Hereditary neoplastic syndrome. Identifiers: Orphanet 140162, MedGen C0027672, MeSH D009386, MONDO:0015356.

Submissions (2):

Labcorp Genetics (formerly Invitae), Labcorp
Classification: Uncertain significance for Familial cancer of breast. Last evaluated: 2022-06-29. Review status: criteria provided, single submitter. Criteria: Invitae Variant Classification Sherloc (09022015). Collection method: clinical testing. Allele origin: germline.
Comment: This sequence change replaces arginine, which is basic and polar, with isoleucine, which is neutral and non-polar, at codon 516 of the PALB2 protein (p.Arg516Ile). In summary, the available evidence is currently insufficient to determine the role of this variant in disease. Therefore, it has been classified as a Variant of Uncertain Significance. Algorithms developed to predict the effect of missense changes on protein structure and function are either unavailable or do not agree on the potential impact of this missense change (SIFT: "Deleterious"; PolyPhen-2: "Probably Damaging"; Align-GVGD: "Class C15"). This variant has not been reported in the literature in individuals affected with PALB2-related conditions. This variant is not present in population databases (gnomAD no frequency).

Ambry Genetics
Classification: Uncertain significance for Hereditary cancer-predisposing syndrome. Last evaluated: 2022-04-11. Review status: criteria provided, single submitter. Criteria: Ambry Variant Classification Scheme 2023. Collection method: clinical testing. Allele origin: germline.